The following is an entry in ClinVar:

NM_001127222.2(CACNA1A):c.155T>C (p.Met52Thr)

Gene: CACNA1A (calcium voltage-gated channel subunit alpha1 A; minus strand). Cytogenetic location: 19p13.13.
Variant type: single nucleotide variant.
Coding change: c.155T>C on transcript NM_001127222.2 (MANE Select); coding-DNA position 155, T replaced by C.
Protein change: p.Met52Thr; replaces methionine 52 with threonine.
Molecular consequence: missense variant.
Genome position (GRCh38, 1-based): chr19:13,506,070, A>G on the plus strand (T>C on the coding strand, the complement: CACNA1A is on the minus strand). VCF-style: chr19-13506070-A-G. GRCh37 (hg19) VCF-style: chr19-13616884-A-G.
Other names: c.155T>C, p.Met52Thr (NM_000068.4, NM_001127221.2, NM_001174080.2 and 1 more transcripts); short protein forms M52T.
Identifiers: ClinVar variation 2573859 (VCV002573859.2), dbSNP rs2513709279, ClinGen allele CA404971090.

ClinVar aggregate classification (germline): Uncertain significance. Review status: criteria provided, multiple submitters, no conflicts (2 of 4 stars). 2 submissions from 2 submitters: Uncertain significance (2). Last evaluated 2024-10-12.

Conditions:
Inborn genetic diseases. Identifiers: MedGen C0950123, MeSH D030342.

Allele frequency attached by ClinVar (database versions not stated): gnomAD exomes below 0.00001.
gnomAD v4.1: 1 of 1,613,846 alleles (0.000062%); highest among the groups gnomAD compares: Non-Finnish European, 0.000085%; no homozygotes.

Submissions (2):

Ambry Genetics
Classification: Uncertain significance for Inborn genetic diseases. Last evaluated: 2024-10-12. Review status: criteria provided, single submitter. Criteria: Ambry Variant Classification Scheme 2023. Collection method: clinical testing. Allele origin: germline.

GeneDx
Classification: Uncertain significance. Last evaluated: 2023-01-22. Review status: criteria provided, single submitter. Criteria: GeneDx Variant Classification Process June 2021. Collection method: clinical testing. Allele origin: germline. Affected: yes.
Comment: Not observed at significant frequency in large population cohorts (gnomAD); In silico analysis supports that this missense variant has a deleterious effect on protein structure/function; Has not been previously published as pathogenic or benign to our knowledge